The following is an entry in ClinVar:

ClinVar aggregate classification (germline): Conflicting classifications of pathogenicity. Review status: criteria provided, conflicting classifications (1 of 4 stars). 3 submissions from 3 submitters: Uncertain significance (2); Likely benign (1). Last evaluated 2025-11-18.

Conditions:
CACNA1F-related disorder. Also called: CACNA1F-related condition.

Submissions (3):

PreventionGenetics, part of Exact Sciences
Classification: Uncertain significance for CACNA1F-related condition. Last evaluated: 2025-11-18. Review status: criteria provided, single submitter. Criteria: ACMG Guidelines, 2015. Collection method: clinical testing. Allele origin: germline.
Comment: The CACNA1F c.2457_2474dup18 variant is predicted to result in an in-frame duplication (p.Glu820_Glu825dup). To our knowledge, this variant has not been reported in the literature. This variant is reported in 0.071% of alleles in individuals of South Asian descent in gnomAD, including multiple hemizygotes. Although we suspect that this variant may be benign, at this time, the clinical significance of this variant is uncertain due to the absence of conclusive functional and genetic evidence.

Labcorp Genetics (formerly Invitae), Labcorp
Classification: Uncertain significance. Last evaluated: 2025-04-17. Review status: criteria provided, single submitter. Criteria: Invitae Variant Classification Sherloc (09022015). Collection method: clinical testing. Allele origin: germline.
Comment: This variant, c.2457_2474dup, results in the insertion of 6 amino acid(s) of the CACNA1F protein (p.Glu820_Glu825dup), but otherwise preserves the integrity of the reading frame. The frequency data for this variant in the population databases is considered unreliable, as metrics indicate poor data quality at this position in the gnomAD database. This variant has not been reported in the literature in individuals affected with CACNA1F-related conditions. ClinVar contains an entry for this variant (Variation ID: 970396). Experimental studies and prediction algorithms are not available or were not evaluated, and the functional significance of this variant is currently unknown. In summary, the available evidence is currently insufficient to determine the role of this variant in disease. Therefore, it has been classified as a Variant of Uncertain Significance.

Blueprint Genetics
Classification: Likely benign. Last evaluated: 2023-09-13. Review status: criteria provided, single submitter. Criteria: ACMG Guidelines, 2015. Collection method: clinical testing. Allele origin: germline.

NM_001256789.3(CACNA1F):c.2415AGAGGAAGA[5] (p.Glu809_Glu814dup)

Gene: CACNA1F (calcium voltage-gated channel subunit alpha1 F; minus strand). Cytogenetic location: Xp11.23.
Variant type: Microsatellite.
Coding change: c.2415AGAGGAAGA[5] on transcript NM_001256789.3 (MANE Select); five copies in a row of the 9-base unit AGAGGAAGA starting at c.2415; the reference has three copies in a row; two copies, 18 bases duplicated.
Protein change: p.Glu809_Glu814dup.
Molecular consequence: inframe insertion.
Genome position (GRCh38, 1-based): chrX:49,219,736-49,219,753, TCTTCCTCTTCTTCCTCT duplicated on the plus strand (AGAGGAAGAAGAGGAAGA on the coding strand, the reverse complement: CACNA1F is on the minus strand); duplicating any 18 consecutive bases within chrX:49,219,736-49,219,770 gives the same sequence; the position shown is the placement nearest the transcript's 3' end. VCF-style (leftmost placement, unchanged base first): chrX-49219735-C-CTCTTCCTCTTCTTCCTCT. GRCh37 (hg19) VCF-style: chrX-49076194-C-CTCTTCCTCTTCTTCCTCT.
Other names: c.2457_2474dup18 (NM_005183.3); c.2253AGAGGAAGA[5], p.Glu755_Glu760dup (NM_001256790.3); c.2448AGAGGAAGA[5], p.Glu820_Glu825dup (NM_005183.4).
Identifiers: ClinVar variation 970396 (VCV000970396.11), dbSNP rs59355923, ClinGen allele CA10410667.